The following is an entry in ClinVar:

NM_022765.4(MICAL1):c.545C>T (p.Thr182Ile)

Gene: MICAL1 (microtubule associated monooxygenase, calponin and LIM domain containing 1; minus strand). Cytogenetic location: 6q21.
Variant type: single nucleotide variant.
Coding change: c.545C>T on transcript NM_022765.4 (MANE Select); coding-DNA position 545, C replaced by T.
Protein change: p.Thr182Ile; replaces threonine 182 with isoleucine.
Molecular consequence: missense variant.
Genome position (GRCh38, 1-based): chr6:109,453,289, G>A on the plus strand (C>T on the coding strand, the complement: MICAL1 is on the minus strand). VCF-style: chr6-109453289-G-A. GRCh37 (hg19) VCF-style: chr6-109774492-G-A.
Other names: c.545C>T, p.Thr182Ile (NM_001159291.2); c.602C>T, p.Thr201Ile (NM_001286613.2); short protein forms T201I, T182I.
Identifiers: ClinVar variation 3697556 (VCV003697556.2).

ClinVar aggregate classification (germline): Uncertain significance (1 of 4 stars; one submission).

Submission:

Labcorp Genetics (formerly Invitae), Labcorp
Classification: Uncertain significance. Last evaluated: 2025-02-02. Review status: criteria provided, single submitter. Criteria: Invitae Variant Classification Sherloc (09022015). Collection method: clinical testing. Allele origin: germline.
Comment: This sequence change replaces threonine, which is neutral and polar, with isoleucine, which is neutral and non-polar, at codon 201 of the MICAL1 protein (p.Thr201Ile). This variant is not present in population databases (gnomAD no frequency). This variant has not been reported in the literature in individuals affected with MICAL1-related conditions. An algorithm developed to predict the effect of missense changes on protein structure and function outputs the following: PolyPhen-2: "Benign". The isoleucine amino acid residue is found in multiple mammalian species, which suggests that this missense change does not adversely affect protein function. In summary, the available evidence is currently insufficient to determine the role of this variant in disease. Therefore, it has been classified as a Variant of Uncertain Significance.